The following is an entry in ClinVar:

NM_004360.5(CDH1):c.387G>T (p.Gln129His)

Gene: CDH1 (cadherin 1; plus strand). Cytogenetic location: 16q22.1.
Variant type: single nucleotide variant.
Coding change: c.387G>T on transcript NM_004360.5 (MANE Select); coding-DNA position 387, G replaced by T.
Protein change: p.Gln129His; replaces glutamine 129 with histidine.
Molecular consequence: missense variant. On other transcripts: 5 prime UTR variant (2).
Genome position (GRCh38, 1-based): chr16:68,801,893, G>T. VCF-style: chr16-68801893-G-T. GRCh37 (hg19) VCF-style: chr16-68835796-G-T.
Other names: c.387G>T, p.Gln129His (NM_001317184.2); c.-1229G>T (NM_001317185.2); c.-1433G>T (NM_001317186.2); short protein forms Q129H.
Identifiers: ClinVar variation 824331 (VCV000824331.14), dbSNP rs764700595, ClinGen allele CA8129841.

ClinVar aggregate classification (germline): Conflicting classifications of pathogenicity. Review status: criteria provided, conflicting classifications (1 of 4 stars). 3 submissions from 3 submitters: Uncertain significance (2); Likely benign (1). Last evaluated 2023-03-22.

Conditions:
Hereditary cancer-predisposing syndrome. Also called: Neoplastic Syndromes, Hereditary; Hereditary Cancer Syndrome; Hereditary neoplastic syndrome; Tumor predisposition. Identifiers: Orphanet 140162, MedGen C0027672, MeSH D009386, MONDO:0015356.
Hereditary diffuse gastric adenocarcinoma (HDGC). Also called: DIFFUSE GASTRIC AND LOBULAR BREAST CANCER SYNDROME. Identifiers: Orphanet 26106, MedGen C1708349, MONDO:0007648, OMIM 137215.

Allele frequency attached by ClinVar (database versions not stated): gnomAD below 0.00001 and 0.00001; ExAC 0.00001; gnomAD exomes 0.00001.
gnomAD v4.1: 12 of 1,612,692 alleles (0.00074%); highest among the groups gnomAD compares: South Asian, 0.012%; no homozygotes.

Submissions (4):

GeneDx
Classification: Uncertain significance. Last evaluated: 2023-03-22. Review status: criteria provided, single submitter. Criteria: GeneDx Variant Classification Process June 2021. Collection method: clinical testing. Allele origin: germline. Affected: yes.
Comment: Identified in an individual with diffuse gastric cancer (Guindalini et al., 2019); Published RNA studies in patient RNA suggest no impact on splicing, but results from a gastric tumor showed only transcript from the wild type allele suggesting the variant could impact splicing; however, the exact significance is unknown (Guindalini et al., 2019; Karam et al., 2019); In silico analysis supports that this missense variant does not alter protein structure/function; Not observed at significant frequency in large population cohorts (gnomAD); This variant is associated with the following publications: (PMID: 15235021, 33809393, 26689913, 30895400, 35685475, 31642931)

Labcorp Genetics (formerly Invitae), Labcorp
Classification: Uncertain significance for Hereditary diffuse gastric adenocarcinoma. Last evaluated: 2022-01-28. Review status: criteria provided, single submitter. Criteria: Invitae Variant Classification Sherloc (09022015). Collection method: clinical testing. Allele origin: germline.
Comment: Variants that disrupt the consensus splice site are a relatively common cause of aberrant splicing (PMID: 17576681, 9536098). Algorithms developed to predict the effect of sequence changes on RNA splicing suggest that this variant may disrupt the consensus splice site. This sequence change replaces glutamine, which is neutral and polar, with histidine, which is basic and polar, at codon 129 of the CDH1 protein (p.Gln129His). This variant also falls at the last nucleotide of exon 3, which is part of the consensus splice site for this exon. This variant is present in population databases (rs764700595, gnomAD 0.01%). This missense change has been observed in individual(s) with gastric cancer (PMID: 30895400). ClinVar contains an entry for this variant (Variation ID: 824331). Algorithms developed to predict the effect of missense changes on protein structure and function output the following: SIFT: "Tolerated"; PolyPhen-2: "Benign"; Align-GVGD: "Class C0". The histidine amino acid residue is found in multiple mammalian species, which suggests that this missense change does not adversely affect protein function. In summary, the available evidence is currently insufficient to determine the role of this variant in disease. Therefore, it has been classified as a Variant of Uncertain Significance.

Ambry Genetics
Classification: Likely benign for Hereditary cancer-predisposing syndrome. Last evaluated: 2017-09-21. Review status: criteria provided, single submitter. Criteria: Ambry Variant Classification Scheme 2023. Collection method: clinical testing. Allele origin: germline.

Dr. Peter K. Rogan Lab, Western University
No classification provided (evidence only). Condition: Lung cancer. Review status: no classification provided. Collection method: in vitro. Allele origin: not applicable. Functional consequence: retained intron. Not counted in ClinVar's aggregate classification.

Literature cited by the submitters: PubMed 17576681 (cited by Labcorp Genetics (formerly Invitae), Labcorp); PubMed 9536098 (cited by Labcorp Genetics (formerly Invitae), Labcorp); PubMed 30895400 (cited by Labcorp Genetics (formerly Invitae), Labcorp).